The following is an entry in ClinVar:

NM_001025356.3(ANO6):c.1904G>A (p.Arg635Gln)

Gene: ANO6 (anoctamin 6; plus strand). Cytogenetic location: 12q12.
Variant type: single nucleotide variant.
Coding change: c.1904G>A on transcript NM_001025356.3 (MANE Select); coding-DNA position 1904, G replaced by A.
Protein change: p.Arg635Gln; replaces arginine 635 with glutamine.
Molecular consequence: missense variant.
Genome position (GRCh38, 1-based): chr12:45,409,380, G>A. VCF-style: chr12-45409380-G-A. GRCh37 (hg19) VCF-style: chr12-45803163-G-A.
Other names: c.1850G>A, p.Arg617Gln (NM_001142678.2); c.1904G>A, p.Arg635Gln (NM_001142679.2); c.1967G>A, p.Arg656Gln (NM_001204803.2); c.1871G>A, p.Arg624Gln (NM_001410973.1); short protein forms R624Q, R617Q, R635Q, R656Q.
Identifiers: ClinVar variation 1909398 (VCV001909398.7), dbSNP rs745565220, ClinGen allele CA6525475.

ClinVar aggregate classification (germline): Uncertain significance. Review status: criteria provided, multiple submitters, no conflicts (2 of 4 stars). 2 submissions from 2 submitters: Uncertain significance (2). Last evaluated 2025-08-26.

Conditions:
Inborn genetic diseases. Identifiers: MedGen C0950123, MeSH D030342.

Allele frequency attached by ClinVar (database versions not stated): TOPMed 0.00001; ExAC 0.00002; gnomAD 0.00002; gnomAD exomes 0.00002.
gnomAD v4.1: 15 of 1,613,788 alleles (0.00093%); highest among the groups gnomAD compares: South Asian, 0.011%; no homozygotes.

Submissions (2):

Ambry Genetics
Classification: Uncertain significance for Inborn genetic diseases. Last evaluated: 2025-08-26. Review status: criteria provided, single submitter. Criteria: Ambry Variant Classification Scheme 2023. Collection method: clinical testing. Allele origin: germline.

Labcorp Genetics (formerly Invitae), Labcorp
Classification: Uncertain significance. Last evaluated: 2024-10-16. Review status: criteria provided, single submitter. Criteria: Invitae Variant Classification Sherloc (09022015). Collection method: clinical testing. Allele origin: germline.
Comment: This sequence change replaces arginine, which is basic and polar, with glutamine, which is neutral and polar, at codon 635 of the ANO6 protein (p.Arg635Gln). This variant is present in population databases (rs745565220, gnomAD 0.01%). This variant has not been reported in the literature in individuals affected with ANO6-related conditions. ClinVar contains an entry for this variant (Variation ID: 1909398). Invitae Evidence Modeling of protein sequence and biophysical properties (such as structural, functional, and spatial information, amino acid conservation, physicochemical variation, residue mobility, and thermodynamic stability) indicates that this missense variant is not expected to disrupt ANO6 protein function with a negative predictive value of 80%. In summary, the available evidence is currently insufficient to determine the role of this variant in disease. Therefore, it has been classified as a Variant of Uncertain Significance.